The following is an entry in ClinVar:

ClinVar aggregate classification (germline): Uncertain significance. Review status: criteria provided, multiple submitters, no conflicts (2 of 4 stars). 4 submissions from 4 submitters: Uncertain significance (4). Last evaluated 2025-06-18.

Conditions:
RYR1-related disorder. Also called: RYR1-related condition; RYR1-related disorders. Identifiers: MedGen CN239331.
Malignant hyperthermia, susceptibility to, 1 (MHS1). Also called: Anesthesia related hyperthermia; Malignant hyperpyrexia; Fulminating hyperpyrexia; Pharmacogenic myopathy; Malignant hyperthermia suceptibility 1; RYR1-Related Malignant Hyperthermia Susceptibility. Identifiers: Orphanet 423, MedGen C2930980, MONDO:0007783, OMIM 145600.

Allele frequency attached by ClinVar (database versions not stated): ExAC 0.00004; gnomAD exomes 0.00001 and 0.00002; ESP Exome Variant Server 0.00008; gnomAD 0.00002; TOPMed 0.00002.
gnomAD v4.1: 12 of 1,613,184 alleles (0.00074%); highest among the groups gnomAD compares: African/African-American, 0.0027%; no homozygotes.

Submissions (4):

Color Diagnostics, LLC DBA Color Health
Classification: Uncertain significance for Malignant hyperthermia, susceptibility to, 1. Last evaluated: 2025-06-18. Review status: criteria provided, single submitter. Criteria: ACMG Guidelines, 2015. Collection method: clinical testing. Allele origin: germline.
Comment: This missense variant replaces threonine with methionine at codon 977 of the RYR1 protein. Computational prediction is inconclusive regarding the impact of this variant on protein structure and function. To our knowledge, functional studies have not been reported for this variant. This variant has not been reported in individuals affected with autosomal dominant malignant hyperthermia in the literature, although it has been reported in individuals affected with other conditions (PMID: 35428369). This variant has been identified in 5/246892 chromosomes in the general population by the Genome Aggregation Database (gnomAD). The available evidence is insufficient to determine the role of this variant in disease conclusively. Therefore, this variant is classified as a Variant of Uncertain Significance.

Labcorp Genetics (formerly Invitae), Labcorp
Classification: Uncertain significance for RYR1-related disorder. Last evaluated: 2025-03-25. Review status: criteria provided, single submitter. Criteria: Invitae Variant Classification Sherloc (09022015). Collection method: clinical testing. Allele origin: germline.
Comment: This sequence change replaces threonine, which is neutral and polar, with methionine, which is neutral and non-polar, at codon 977 of the RYR1 protein (p.Thr977Met). This variant is present in population databases (rs375865052, gnomAD 0.01%). This missense change has been observed in individual(s) with clinical features of autosomal recessive congenital myopathy (PMID: 35428369, 36833224). ClinVar contains an entry for this variant (Variation ID: 639238). Invitae Evidence Modeling of protein sequence and biophysical properties (such as structural, functional, and spatial information, amino acid conservation, physicochemical variation, residue mobility, and thermodynamic stability) indicates that this missense variant is expected to disrupt RYR1 protein function with a positive predictive value of 95%. In summary, the available evidence is currently insufficient to determine the role of this variant in disease. Therefore, it has been classified as a Variant of Uncertain Significance.

Revvity Omics, Revvity
Classification: Uncertain significance. Last evaluated: 2024-11-26. Review status: criteria provided, single submitter. Criteria: ACMG Guidelines, 2015. Collection method: clinical testing. Allele origin: germline.

All of Us Research Program, National Institutes of Health
Classification: Uncertain significance for Malignant hyperthermia, susceptibility to, 1. Last evaluated: 2024-09-23. Review status: criteria provided, single submitter. Criteria: ACMG Guidelines, 2015. Collection method: clinical testing. Allele origin: germline. Inheritance: Autosomal dominant inheritance. Observed: 4 variant alleles, 4 heterozygotes.
Comment: This missense variant replaces threonine with methionine at codon 977 of the RYR1 protein. Computational prediction is inconclusive regarding the impact of this variant on protein structure and function (internally defined REVEL score threshold 0.5 < inconclusive < 0.7, PMID: 27666373). To our knowledge, functional studies have not been reported for this variant. This variant has not been reported in individuals affected with autosomal dominant malignant hyperthermia in the literature, although it has been reported in individuals affected with other conditions (PMID: 35428369). This variant has been identified in 5/246892 chromosomes in the general population by the Genome Aggregation Database (gnomAD). The available evidence is insufficient to determine the role of this variant in disease conclusively. Therefore, this variant is classified as a Variant of Uncertain Significance.

This study involves interpretation of variants in research participants for the purpose of population health screening. Participant phenotype was not available at the time of variant classification. Additional details can be found in publication PMID: 35346344, PMCID: PMC8962531

Literature cited by the submitters: PubMed 35428369 (cited by 3 submitters); PubMed 36833224 (cited by Labcorp Genetics (formerly Invitae), Labcorp).

NM_000540.3(RYR1):c.2930C>T (p.Thr977Met)

Gene: RYR1 (ryanodine receptor 1; plus strand). Cytogenetic location: 19q13.2.
Variant type: single nucleotide variant.
Coding change: c.2930C>T on transcript NM_000540.3 (MANE Select); coding-DNA position 2930, C replaced by T.
Protein change: p.Thr977Met; replaces threonine 977 with methionine.
Molecular consequence: missense variant.
Genome position (GRCh38, 1-based): chr19:38,466,150, C>T. VCF-style: chr19-38466150-C-T. GRCh37 (hg19) VCF-style: chr19-38956790-C-T.
Other names: c.2930C>T, p.Thr977Met (NM_001042723.2); short protein forms T977M.
Identifiers: ClinVar variation 639238 (VCV000639238.10), dbSNP rs375865052, ClinGen allele CA064215.